The following is an entry in ClinVar:

ClinVar aggregate classification (germline): Uncertain significance (1 of 4 stars; one submission).

Conditions:
Intellectual developmental disorder 62. Also called: INTELLECTUAL DEVELOPMENTAL DISORDER, AUTOSOMAL DOMINANT 62; MENTAL RETARDATION, AUTOSOMAL DOMINANT 62. Identifiers: MedGen C5394083, MONDO:0032919, OMIM 618793.

Submission:

3billion
Classification: Uncertain significance for Intellectual developmental disorder 62. Last evaluated: 2024-08-09. Review status: criteria provided, single submitter. Criteria: ACMG Guidelines, 2015. Collection method: clinical testing. Allele origin: germline. Affected: yes.
Comment: The variant is not observed in the gnomAD v4.0.0 dataset. Predicted Consequence/Location: Intron variant In silico tools predict the variant to alter splicing and produce an abnormal transcript [SpliceAI: 0.25 (>=0.2, moderate evidence for spliceogenicity)]. Therefore, this variant is classified as VUS according to the recommendation of ACMG/AMP guideline.

NM_001321075.3(DLG4):c.2069-10C>A

Gene: DLG4 (discs large MAGUK scaffold protein 4; minus strand). Cytogenetic location: 17p13.1.
Variant type: single nucleotide variant.
Coding change: c.2069-10C>A on transcript NM_001321075.3 (MANE Select); 10 bases into the intron before coding-DNA position 2069, C replaced by A.
Molecular consequence: intron variant.
Genome position (GRCh38, 1-based): chr17:7,190,824, G>T on the plus strand (C>A on the coding strand, the complement: DLG4 is on the minus strand). VCF-style: chr17-7190824-G-T. GRCh37 (hg19) VCF-style: chr17-7094143-G-T.
Other names: c.2198-10C>A (NM_001365.5); c.2060-10C>A (NM_001128827.4); c.1988-10C>A (NM_001369566.3); c.1889-10C>A (NM_001321077.3, NM_001321076.3); c.2189-10C>A (NM_001321074.1).
Identifiers: ClinVar variation 4292166 (VCV004292166.1).
Genomic context (GRCh38, chr17:7,190,824, plus strand): 5'-CACGCTTCACCTTGTGGTAGATCTCCTCAAAGCTGTCACCCTCCACGATGGCTGGGAGTG[G>T]GGTGGAGCAGGGAGTGAGGCCAAGGAAGGGCCAGAGGACACCTGGCCAAGGGGGTTGCAC-3'